The following is an entry in ClinVar:

ClinVar aggregate classification (germline): Uncertain significance. Review status: criteria provided, multiple submitters, no conflicts (2 of 4 stars). 4 submissions from 4 submitters: Uncertain significance (4). Last evaluated 2025-10-03.

Conditions:
Drash syndrome (DDS). Also called: WILMS TUMOR AND PSEUDO- OR TRUE HERMAPHRODITISM; NEPHROPATHY, WILMS TUMOR, AND GENITAL ANOMALIES. Identifiers: Orphanet 220, MedGen C0950121, MONDO:0008682, OMIM 194080.
Meacham syndrome. Also called: Meacham Winn Culler syndrome. Identifiers: Orphanet 3097, MedGen C1837026, MONDO:0012164, OMIM 608978.
Wilms tumor 1 (WT1). Also called: Wilms tumor, somatic. Identifiers: Orphanet 654, MedGen CN033288, MONDO:0008679, OMIM 194070.
Frasier syndrome. Identifiers: Orphanet 347, MedGen C0950122, MeSH D052159, MONDO:0007635, OMIM 136680.
Mesothelioma, malignant (MESOM). Also called: Malignant mesothelioma (disease). Identifiers: Orphanet 50251, MedGen C0345967, MONDO:0006292, OMIM 156240, HP:0100001.
Nephrotic syndrome, type 4 (NPHS4). Also called: Familial mesangial sclerosis; Nephrotic syndrome, early onset with diffuse mesangial sclerosis. Identifiers: Orphanet 656, MedGen C3151568, MONDO:0009733, OMIM 256370.
11p partial monosomy syndrome (WAGR). Also called: WAGR Spectrum Disorder; CHROMOSOME 11p13 DELETION SYNDROME; WAGR Complex; WAGR syndrome. Identifiers: Orphanet 893, MedGen C0206115, MONDO:0008681, OMIM 194072.

gnomAD v4.1: 20 of 1,589,420 alleles (0.0013%); highest among the groups gnomAD compares: Admixed American, 0.01%; no homozygotes.

Submissions (4):

Labcorp Genetics (formerly Invitae), Labcorp
Classification: Uncertain significance for Wilms tumor 1; Drash syndrome; 11p partial monosomy syndrome; Frasier syndrome. Last evaluated: 2025-10-03. Review status: criteria provided, single submitter. Criteria: Invitae Variant Classification Sherloc (09022015). Collection method: clinical testing. Allele origin: germline.
Comment: This sequence change falls in intron 2 of the WT1 gene. It does not directly change the encoded amino acid sequence of the WT1 protein. This variant is present in population databases (no rsID available, gnomAD 0.006%). This variant has not been reported in the literature in individuals affected with WT1-related conditions. ClinVar contains an entry for this variant (Variation ID: 1470255). Algorithms developed to predict the effect of sequence changes on RNA splicing suggest that this variant may disrupt the consensus splice site. In summary, the available evidence is currently insufficient to determine the role of this variant in disease. Therefore, it has been classified as a Variant of Uncertain Significance.

All of Us Research Program, National Institutes of Health
Classification: Uncertain significance for Wilms tumor 1. Last evaluated: 2024-09-23. Review status: criteria provided, single submitter. Criteria: ACMG Guidelines, 2015. Collection method: clinical testing. Allele origin: germline. Inheritance: Autosomal dominant inheritance. Observed: 7 variant alleles, 7 heterozygotes.
Comment: This variant causes a G>A nucleotide substitution at the -14 position of intron 2 of the WT1 gene. Splice site prediction tools are inconclusive regarding the impact of this variant on RNA splicing. To our knowledge, functional studies have not been reported for this variant. This variant has not been reported in individuals affected with WT1-related disorders in the literature. This variant has been identified in 5/258694 chromosomes in the general population by the Genome Aggregation Database (gnomAD). The available evidence is insufficient to determine the role of this variant in disease conclusively. Therefore, this variant is classified as a Variant of Uncertain Significance.

This study involves interpretation of variants in research participants for the purpose of population health screening. Participant phenotype was not available at the time of variant classification. Additional details can be found in publication PMID: 35346344, PMCID: PMC8962531

Fulgent Genetics
Classification: Uncertain significance for Frasier syndrome; Mesothelioma, malignant; Wilms tumor 1; Drash syndrome; Nephrotic syndrome, type 4; Meacham syndrome. Last evaluated: 2024-05-09. Review status: criteria provided, single submitter. Criteria: ACMG Guidelines, 2015. Collection method: clinical testing. Allele origin: germline.

Baylor Genetics
Classification: Uncertain significance for Drash syndrome. Last evaluated: 2024-01-04. Review status: criteria provided, single submitter. Criteria: ACMG Guidelines, 2015. Collection method: clinical testing. Allele origin: unknown.

NM_024426.6(WT1):c.785-14G>A

Gene: WT1 (WT1 transcription factor; minus strand). Cytogenetic location: 11p13.
Variant type: single nucleotide variant.
Coding change: c.785-14G>A on transcript NM_024426.6 (MANE Select); 14 bases into the intron before coding-DNA position 785, G replaced by A.
Molecular consequence: intron variant.
Genome position (GRCh38, 1-based): chr11:32,428,072, C>T on the plus strand (G>A on the coding strand, the complement: WT1 is on the minus strand). VCF-style: chr11-32428072-C-T. GRCh37 (hg19) VCF-style: chr11-32449618-C-T.
Other names: c.662-14G>A (NM_001407050.1, NM_001407047.1); c.785-14G>A (NM_001407048.1, NM_001407046.1, NM_024424.5 and 4 more transcripts); c.23-14G>A (NM_001407051.1); c.134-14G>A (NM_001198552.2, NM_001198551.2).
Identifiers: ClinVar variation 1470255 (VCV001470255.12), dbSNP rs375514482, ClinGen allele CA473569821.
Genomic context (GRCh38, chr11:32,428,072, plus strand): 5'-GGTGTGGCAGCCATAGACCGGGGGCGGCACCGAGTACTGCTGCTCACCTGCAGAGAGAAC[C>T]GAAGACAGCTGAGCGAGTGCGCCCCAAGGGCTCGGGGTGCGAGGCTGCGGGCAGGGGTTG-3'